The following is an entry in ClinVar:

ClinVar aggregate classification (germline): Uncertain significance. Review status: criteria provided, multiple submitters, no conflicts (2 of 4 stars). 2 submissions from 2 submitters: Uncertain significance (2). Last evaluated 2024-05-21.

Submissions (2):

GeneDx
Classification: Uncertain significance. Last evaluated: 2024-05-21. Review status: criteria provided, single submitter. Criteria: GeneDx Variant Classification Process June 2021. Collection method: clinical testing. Allele origin: germline. Affected: yes.
Comment: Not observed at significant frequency in large population cohorts (gnomAD); A different variant affecting the same nucleotide site (c.109+5G>C) has been reported as a paternally inherited variant in patients with myoclonus in the published literature (PMID:29801903, 23365103); In silico analysis indicates that this variant does not alter splicing; Has not been previously published as pathogenic or benign to our knowledge

Athena Diagnostics
Classification: Uncertain significance. Last evaluated: 2017-02-13. Review status: criteria provided, single submitter. Criteria: Athena Diagnostics Criteria. Collection method: clinical testing. Allele origin: germline.

NM_003919.3(SGCE):c.109+5G>T

Gene: SGCE (sarcoglycan epsilon; minus strand). Cytogenetic location: 7q21.3.
Variant type: single nucleotide variant.
Coding change: c.109+5G>T on transcript NM_003919.3 (MANE Select); 5 bases into the intron after coding-DNA position 109, G replaced by T.
Molecular consequence: intron variant.
Genome position (GRCh38, 1-based): chr7:94,655,985, C>A on the plus strand (G>T on the coding strand, the complement: SGCE is on the minus strand). VCF-style: chr7-94655985-C-A. GRCh37 (hg19) VCF-style: chr7-94285297-C-A.
Other names: c.109+5G>T (NM_001362809.2, NM_001301139.2, NM_001346717.2 and 4 more transcripts); c.-155+5G>T (NM_001362807.2); c.-227+5G>T (NM_001362808.2, NM_001346720.2); c.-149+5G>T (NM_001346719.2).
Identifiers: ClinVar variation 448354 (VCV000448354.2), dbSNP rs1554374856, ClinGen allele CA658657695.
Genomic context (GRCh38, chr7:94,655,985, plus strand): 5'-GCGGGGGAGGGGGAGGCGGCGGCCTGTTGGCCCCGGGACCTCCACGTCGCGCGCAGGCCA[C>A]TAACCTGTCAGCAAGAATGTGCCAGTGGTCGCGGGGCTCATCCTGCGTGTCCCCCGACCC-3'